The following is an entry in ClinVar:

ClinVar aggregate classification (germline): Uncertain significance (1 of 4 stars; one submission).

Conditions:
Wilson-Turner syndrome (WTS). Also called: MENTAL RETARDATION, X-LINKED, SYNDROMIC 6; INTELLECTUAL DEVELOPMENTAL DISORDER, X-LINKED, SYNDROMIC, WILSON-TURNER TYPE. Identifiers: Orphanet 3459, MedGen C1839736, MONDO:0010665, OMIM 309585.

gnomAD v4.1: 25 of 1,209,198 alleles (0.0021%); highest among the groups gnomAD compares: Non-Finnish European, 0.0026%; no homozygotes.

Submission:

Labcorp Genetics (formerly Invitae), Labcorp
Classification: Uncertain significance for Wilson-Turner syndrome. Last evaluated: 2025-02-21. Review status: criteria provided, single submitter. Criteria: Invitae Variant Classification Sherloc (09022015). Collection method: clinical testing. Allele origin: germline.
Comment: This sequence change replaces aspartic acid, which is acidic and polar, with glutamic acid, which is acidic and polar, at codon 61 of the LAS1L protein (p.Asp61Glu). This variant is present in population databases (no rsID available, gnomAD 0.001%). This variant has not been reported in the literature in individuals affected with LAS1L-related conditions. Invitae Evidence Modeling of protein sequence and biophysical properties (such as structural, functional, and spatial information, amino acid conservation, physicochemical variation, residue mobility, and thermodynamic stability) indicates that this missense variant is not expected to disrupt LAS1L protein function with a negative predictive value of 80%. In summary, the available evidence is currently insufficient to determine the role of this variant in disease. Therefore, it has been classified as a Variant of Uncertain Significance.

NM_031206.7(LAS1L):c.183C>G (p.Asp61Glu)

Gene: LAS1L (LAS1 like ribosome biogenesis factor; minus strand). Cytogenetic location: Xq12.
Variant type: single nucleotide variant.
Coding change: c.183C>G on transcript NM_031206.7 (MANE Select); coding-DNA position 183, C replaced by G.
Protein change: p.Asp61Glu; replaces aspartic acid 61 with glutamic acid.
Molecular consequence: missense variant. On other transcripts: 5 prime UTR variant (1), non-coding transcript variant (3).
Genome position (GRCh38, 1-based): chrX:65,534,533, G>C on the plus strand (C>G on the coding strand, the complement: LAS1L is on the minus strand). VCF-style: chrX-65534533-G-C. GRCh37 (hg19) VCF-style: chrX-64754413-G-C.
Other names: c.183C>G, p.Asp61Glu (NM_001170649.2, NM_001170650.2, NM_001375328.1 and 11 more transcripts); c.-614C>G (NM_001375332.1); short protein forms D61E.
Identifiers: ClinVar variation 4737006 (VCV004737006.1).